The following is an entry in ClinVar:

ClinVar aggregate classification (germline): Uncertain significance. Review status: criteria provided, multiple submitters, no conflicts (2 of 4 stars). 3 submissions from 3 submitters: Uncertain significance (2). 1 of the submissions does not count toward it. Last evaluated 2024-12-26.

Conditions:
DNAH9-related disorder. Also called: DNAH9-related condition.

Allele frequency attached by ClinVar (database versions not stated): gnomAD exomes 0.00003; gnomAD 0.00004; TOPMed 0.00004; ESP Exome Variant Server 0.00008.
gnomAD v4.1: 48 of 1,613,868 alleles (0.003%); highest among the groups gnomAD compares: Middle Eastern, 0.082%; no homozygotes.

Submissions (3):

Labcorp Genetics (formerly Invitae), Labcorp
Classification: Uncertain significance. Last evaluated: 2024-12-26. Review status: criteria provided, single submitter. Criteria: Invitae Variant Classification Sherloc (09022015). Collection method: clinical testing. Allele origin: germline.
Comment: This sequence change replaces arginine, which is basic and polar, with tryptophan, which is neutral and slightly polar, at codon 4231 of the DNAH9 protein (p.Arg4231Trp). This variant is present in population databases (rs373580958, gnomAD 0.009%). This variant has not been reported in the literature in individuals affected with DNAH9-related conditions. ClinVar contains an entry for this variant (Variation ID: 2060900). Invitae Evidence Modeling of protein sequence and biophysical properties (such as structural, functional, and spatial information, amino acid conservation, physicochemical variation, residue mobility, and thermodynamic stability) indicates that this missense variant is expected to disrupt DNAH9 protein function with a positive predictive value of 80%. In summary, the available evidence is currently insufficient to determine the role of this variant in disease. Therefore, it has been classified as a Variant of Uncertain Significance.

Blueprint Genetics
Classification: Uncertain significance. Last evaluated: 2024-09-22. Review status: criteria provided, single submitter. Criteria: ACMG Guidelines, 2015. Collection method: clinical testing. Allele origin: germline.

PreventionGenetics, part of Exact Sciences
Classification: Uncertain significance for DNAH9-related condition. Last evaluated: 2024-02-26. Review status: no assertion criteria provided. Collection method: clinical testing. Allele origin: germline. Not counted in ClinVar's aggregate classification.
Comment: The DNAH9 c.12691C>T variant is predicted to result in the amino acid substitution p.Arg4231Trp. To our knowledge, this variant has not been reported in the literature. This variant is reported in 0.0087% of alleles in individuals of Latino descent in gnomAD. At this time, the clinical significance of this variant is uncertain due to the absence of conclusive functional and genetic evidence.

NM_001372.4(DNAH9):c.12691C>T (p.Arg4231Trp)

Gene: DNAH9 (dynein axonemal heavy chain 9; plus strand). Cytogenetic location: 17p12.
Variant type: single nucleotide variant.
Coding change: c.12691C>T on transcript NM_001372.4 (MANE Select); coding-DNA position 12691, C replaced by T.
Protein change: p.Arg4231Trp; replaces arginine 4231 with tryptophan.
Molecular consequence: missense variant.
Genome position (GRCh38, 1-based): chr17:11,942,333, C>T. VCF-style: chr17-11942333-C-T. GRCh37 (hg19) VCF-style: chr17-11845650-C-T.
Other names: c.1627C>T, p.Arg543Trp (NM_004662.2); c.12691C>T (NM_001372.3); short protein forms R4231W, R543W.
Identifiers: ClinVar variation 2060900 (VCV002060900.6), dbSNP rs373580958, ClinGen allele CA288022280.